The following is an entry in ClinVar:

NM_018965.4(TREM2):c.451G>A (p.Glu151Lys)

Gene: TREM2 (triggering receptor expressed on myeloid cells 2; minus strand). Cytogenetic location: 6p21.1.
Variant type: single nucleotide variant.
Coding change: c.451G>A on transcript NM_018965.4 (MANE Select); coding-DNA position 451, G replaced by A.
Protein change: p.Glu151Lys; replaces glutamic acid 151 with lysine.
Molecular consequence: missense variant.
Genome position (GRCh38, 1-based): chr6:41,159,823, C>T on the plus strand (G>A on the coding strand, the complement: TREM2 is on the minus strand). VCF-style: chr6-41159823-C-T. GRCh37 (hg19) VCF-style: chr6-41127561-C-T.
Other names: c.451G>A (NM_018965.2); c.451G>A, p.Glu151Lys (NM_001271821.2); short protein forms E151K.
Identifiers: ClinVar variation 1517663 (VCV001517663.5), dbSNP rs79011726, ClinGen allele CA3798877.

ClinVar aggregate classification (germline): Uncertain significance. Review status: criteria provided, multiple submitters, no conflicts (2 of 4 stars). 3 submissions from 3 submitters: Uncertain significance (3). Last evaluated 2022-10-18.

Conditions:
Polycystic lipomembranous osteodysplasia with sclerosing leukoencephalopathy 2. Also called: TREM2-Related Polycystic Lipomembranous Osteodysplasia with Sclerosing Leukoencephalopathy. Identifiers: MedGen C4748657, MONDO:0020750, OMIM 618193.
Inborn genetic diseases. Identifiers: MedGen C0950123, MeSH D030342.

Allele frequency attached by ClinVar (database versions not stated): ESP Exome Variant Server 0.00046; 1000 Genomes Project 30x 0.00078; gnomAD 0.00026 and 0.00027; gnomAD exomes 0.00028 and 0.00012; TOPMed 0.00032; 1000 Genomes Project 0.00060; ExAC 0.00015.
gnomAD v4.1: 450 of 1,614,140 alleles (0.028%); highest among the groups gnomAD compares: Middle Eastern, 0.2%; no homozygotes.

Submissions (3):

Labcorp Genetics (formerly Invitae), Labcorp
Classification: Uncertain significance. Last evaluated: 2022-10-18. Review status: criteria provided, single submitter. Criteria: Invitae Variant Classification Sherloc (09022015). Collection method: clinical testing. Allele origin: germline.
Comment: This sequence change replaces glutamic acid, which is acidic and polar, with lysine, which is basic and polar, at codon 151 of the TREM2 protein (p.Glu151Lys). This variant is present in population databases (rs79011726, gnomAD 0.05%). This missense change has been observed in individual(s) with TREM2-related conditions (PMID: 25886450, 28620717, 32638105). ClinVar contains an entry for this variant (Variation ID: 1517663). Algorithms developed to predict the effect of missense changes on protein structure and function output the following: SIFT: "Tolerated"; PolyPhen-2: "Benign"; Align-GVGD: "Class C0". The lysine amino acid residue is found in multiple mammalian species, which suggests that this missense change does not adversely affect protein function. Experimental studies have shown that this missense change does not substantially affect TREM2 function (PMID: 27589997). In summary, the available evidence is currently insufficient to determine the role of this variant in disease. Therefore, it has been classified as a Variant of Uncertain Significance.

Fulgent Genetics
Classification: Uncertain significance for Polycystic lipomembranous osteodysplasia with sclerosing leukoencephalopathy 2. Last evaluated: 2022-04-29. Review status: criteria provided, single submitter. Criteria: ACMG Guidelines, 2015. Collection method: clinical testing. Allele origin: unknown.

Ambry Genetics
Classification: Uncertain significance for Inborn genetic diseases. Last evaluated: 2021-06-03. Review status: criteria provided, single submitter. Criteria: Ambry Variant Classification Scheme 2023. Collection method: clinical testing. Allele origin: germline.

Literature cited by the submitters: PubMed 25886450 (cited by Labcorp Genetics (formerly Invitae), Labcorp); PubMed 28620717 (cited by Labcorp Genetics (formerly Invitae), Labcorp); PubMed 32638105 (cited by Labcorp Genetics (formerly Invitae), Labcorp); PubMed 27589997 (cited by Labcorp Genetics (formerly Invitae), Labcorp).